The following is an entry in ClinVar:

NM_001377229.1(DISP1):c.3410A>T (p.Gln1137Leu)

Gene: DISP1 (dispatched RND transporter family member 1; plus strand). Cytogenetic location: 1q41.
Variant type: single nucleotide variant.
Coding change: c.3410A>T on transcript NM_001377229.1 (MANE Select); coding-DNA position 3410, A replaced by T.
Protein change: p.Gln1137Leu; replaces glutamine 1137 with leucine.
Molecular consequence: missense variant.
Genome position (GRCh38, 1-based): chr1:223,004,807, A>T. VCF-style: chr1-223004807-A-T. GRCh37 (hg19) VCF-style: chr1-223178149-A-T.
Other names: c.2681A>T, p.Gln894Leu (NM_001350630.2); c.3410A>T, p.Gln1137Leu (NM_001369594.1, NM_001377228.1, NM_032890.5); short protein forms Q1137L, Q894L.
Identifiers: ClinVar variation 4799483 (VCV004799483.1).

ClinVar aggregate classification (germline): Uncertain significance (1 of 4 stars; one submission).

Submission:

Labcorp Genetics (formerly Invitae), Labcorp
Classification: Uncertain significance. Last evaluated: 2025-05-21. Review status: criteria provided, single submitter. Criteria: Invitae Variant Classification Sherloc (09022015). Collection method: clinical testing. Allele origin: germline.
Comment: This sequence change replaces glutamine, which is neutral and polar, with leucine, which is neutral and non-polar, at codon 1137 of the DISP1 protein (p.Gln1137Leu). This variant is not present in population databases (gnomAD no frequency). This variant has not been reported in the literature in individuals affected with DISP1-related conditions. An algorithm developed to predict the effect of missense changes on protein structure and function (PolyPhen-2) suggests that this variant is likely to be disruptive. In summary, the available evidence is currently insufficient to determine the role of this variant in disease. Therefore, it has been classified as a Variant of Uncertain Significance.